The following is an entry in ClinVar:

NM_024642.5(GALNT12):c.1278G>T (p.Lys426Asn)

Gene: GALNT12 (polypeptide N-acetylgalactosaminyltransferase 12; plus strand). Cytogenetic location: 9q22.33.
Variant type: single nucleotide variant.
Coding change: c.1278G>T on transcript NM_024642.5 (MANE Select); coding-DNA position 1278, G replaced by T.
Protein change: p.Lys426Asn; replaces lysine 426 with asparagine.
Molecular consequence: missense variant.
Genome position (GRCh38, 1-based): chr9:98,840,067, G>T. VCF-style: chr9-98840067-G-T. GRCh37 (hg19) VCF-style: chr9-101602349-G-T.
Other names: short protein forms K426N.
Identifiers: ClinVar variation 1767168 (VCV001767168.3), dbSNP rs2118469848, ClinGen allele CA374221020.

ClinVar aggregate classification (germline): Uncertain significance (1 of 4 stars; one submission).

Submission:

Ambry Genetics
Classification: Uncertain significance. Last evaluated: 2025-03-11. Review status: criteria provided, single submitter. Criteria: Ambry Variant Classification Scheme 2023. Collection method: clinical testing. Allele origin: germline.
Comment: The p.K426N variant (also known as c.1278G>T), located in coding exon 7 of the GALNT12 gene, results from a G to T substitution at nucleotide position 1278. The lysine at codon 426 is replaced by asparagine, an amino acid with similar properties. This amino acid position is conserved. In addition, this alteration is predicted to be tolerated by in silico analysis. Since supporting evidence is limited at this time, the clinical significance of this alteration remains unclear.